The following is an entry in ClinVar:

NM_022896.3(LPIN3):c.2436C>T (p.Val812=)

Gene: LPIN3 (lipin 3; plus strand). Cytogenetic location: 20q12.
Variant type: single nucleotide variant.
Coding change: c.2436C>T on transcript NM_022896.3 (MANE Select); coding-DNA position 2436, C replaced by T.
Protein change: p.Val812=; no amino-acid change (valine 812 retained).
Molecular consequence: synonymous variant. On other transcripts: non-coding transcript variant (1).
Genome position (GRCh38, 1-based): chr20:41,358,746, C>T. VCF-style: chr20-41358746-C-T. GRCh37 (hg19) VCF-style: chr20-39987386-C-T.
Other names: c.2439C>T, p.Val813= (NM_001301860.2).
Identifiers: ClinVar variation 2652330 (VCV002652330.24), dbSNP rs374973167, ClinGen allele CA9861054.

ClinVar aggregate classification (germline): Likely benign (1 of 4 stars; one submission).

Allele frequency attached by ClinVar (database versions not stated): TOPMed 0.00002; gnomAD 0.00003; ExAC 0.00004; ESP Exome Variant Server 0.00008.
gnomAD v4.1: 69 of 1,613,844 alleles (0.0043%); highest among the groups gnomAD compares: Middle Eastern, 0.016%; no homozygotes.

Submission:

CeGaT Center for Human Genetics Tuebingen
Classification: Likely benign. Last evaluated: 2022-10-01. Review status: criteria provided, single submitter. Criteria: CeGaT Center For Human Genetics Tuebingen Variant Classification Criteria Version 2. Collection method: clinical testing. Allele origin: germline. Affected: yes. Observed: 1 variant allele.
Comment: LPIN3: BP4, BP7